The following is an entry in ClinVar:

NM_001127222.2(CACNA1A):c.4663C>T (p.Gln1555Ter)

Gene: CACNA1A (calcium voltage-gated channel subunit alpha1 A; minus strand). Cytogenetic location: 19p13.13.
Variant type: single nucleotide variant.
Coding change: c.4663C>T on transcript NM_001127222.2 (MANE Select); coding-DNA position 4663, C replaced by T.
Protein change: p.Gln1555Ter; replaces glutamine 1555 with a stop codon.
Molecular consequence: nonsense.
Genome position (GRCh38, 1-based): chr19:13,255,187, G>A on the plus strand (C>T on the coding strand, the complement: CACNA1A is on the minus strand). VCF-style: chr19-13255187-G-A. GRCh37 (hg19) VCF-style: chr19-13366001-G-A.
Other names: c.4675C>T, p.Gln1559Ter (NM_000068.4, NM_023035.3); c.4666C>T, p.Gln1556Ter (NM_001127221.2, NM_001174080.2); short protein forms Q1556*, Q1559*, Q1555*.
Identifiers: ClinVar variation 804606 (VCV000804606.2), dbSNP rs1600180457, ClinGen allele CA404338527.

ClinVar aggregate classification (germline): Pathogenic (1 of 4 stars; one submission).

Submission:

Athena Diagnostics
Classification: Pathogenic. Last evaluated: 2022-02-02. Review status: criteria provided, single submitter. Criteria: Athena Diagnostics Criteria. Collection method: clinical testing. Allele origin: unknown.
Comment: This variant is expected to result in the loss of a functional protein. This variant has not been reported in large, multi-ethnic general populations. This variant has been identified in at least one individual tested at Athena Diagnostics with clinical features associated with this gene.